The following is an entry in ClinVar:

ClinVar aggregate classification (germline): Pathogenic (1 of 4 stars; one submission).

Conditions:
X-linked Alport syndrome (ATS1). Also called: COL4A5-Related Nephropathy; NEPHROPATHY AND DEAFNESS, X-LINKED. Identifiers: Orphanet 63, Orphanet 88917, MedGen C4746986, MONDO:0010520, OMIM 301050.

Submission:

Myriad Genetics, Inc.
Classification: Pathogenic for X-linked Alport syndrome. Last evaluated: 2025-12-23. Review status: criteria provided, single submitter. Criteria: Myriad Autosomal Dominant, Autosomal Recessive and X-Linked Classification Criteria (2023). Collection method: clinical testing. Allele origin: unknown.
Comment: NM_000495.4(COL4A5):c.1397dupG(L467Tfs*10) is expected to be pathogenic in the context of X-linked Alport syndrome. This variant is predicted to lead to an abnormal or absent protein product due to the creation of a premature termination codon in COL4A5, a gene where loss-of-function variants are known to be pathogenic. Please note: this variant was assessed in the context of healthy population screening.

NM_033380.3(COL4A5):c.1397dup (p.Leu467fs)

Gene: COL4A5 (collagen type IV alpha 5 chain; plus strand). Cytogenetic location: Xq22.3.
Variant type: Duplication.
Coding change: c.1397dup on transcript NM_033380.3 (MANE Select); coding-DNA position 1397, one base duplicated (G; older notation c.1397dupG).
Protein change: p.Leu467fs; shifts the reading frame from leucine 467.
Molecular consequence: frameshift variant.
Genome position (GRCh38, 1-based): chrX:108,591,618, G duplicated; the last of 2 consecutive G bases (chrX:108,591,617-108,591,618); duplicating either gives the same sequence. VCF-style (leftmost placement, unchanged base first): chrX-108591616-A-AG. GRCh37 (hg19) VCF-style: chrX-107834846-A-AG.
Other names: c.1397dup, p.Leu467fs (NM_000495.5); short protein forms L467fs.
Identifiers: ClinVar variation 5015361 (VCV005015361.1).